The following is an entry in ClinVar:

ClinVar aggregate classification (germline): Likely pathogenic (1 of 4 stars; one submission).

Conditions:
Syndromic X-linked intellectual disability Najm type (MICPCH). Also called: MENTAL RETARDATION, X-LINKED, SYNDROMIC, NAJM TYPE; Mental retardation and microcephaly with pontine and cerebellar hypoplasia; Intellectual Disability and Microcephaly with Pontine and Cerebellar Hypoplasia; Intellectual Disability and Microcephaly with Pontine and Cerebellar Hypoplasia (MICPCH); MICPCH SYNDROME; Intellectual developmental disorder and microcephaly with pontine and cerebellar hypoplasia. Identifiers: Orphanet 163937, MedGen C2677903, MONDO:0010417, OMIM 300749.

Submission:

Juno Genomics, Hangzhou Juno Genomics, Inc
Classification: Likely pathogenic for Syndromic X-linked intellectual disability Najm type. Review status: criteria provided, single submitter. Criteria: ACMG Guidelines, 2015. Collection method: clinical testing. Allele origin: germline. Affected: yes.
Comment: Absent from controls (or at extremely low frequency if recessive) in Genome Aggregation Database, Exome Sequencing Project, 1000 Genomes Project, or Exome Aggregation Consortium.;Null variant in a gene where loss of function (LOF) is a known mechanism of disease.

NM_001367721.1(CASK):c.1838del (p.Arg613fs)

Gene: CASK (calcium/calmodulin dependent serine protein kinase; minus strand). Cytogenetic location: Xp11.4.
Variant type: Deletion.
Coding change: c.1838del on transcript NM_001367721.1 (MANE Select); coding-DNA position 1838, one base deleted (G; older notation c.1838delG).
Protein change: p.Arg613fs; shifts the reading frame from arginine 613.
Molecular consequence: frameshift variant.
Genome position (GRCh38, 1-based): chrX:41,555,604, C deleted on the plus strand (G on the coding strand, the reverse complement: CASK is on the minus strand). VCF-style (leftmost placement, unchanged base first): chrX-41555603-TC-T. GRCh37 (hg19) VCF-style: chrX-41414856-TC-T.
Other names: c.1769del, p.Arg590fs (NM_001126054.3); c.1751del, p.Arg584fs (NM_001126055.3); c.1820del, p.Arg607fs (NM_001410745.1); c.1838del, p.Arg613fs (NM_003688.4); short protein forms R584fs, R590fs, R607fs, R613fs.
Identifiers: ClinVar variation 4531271 (VCV004531271.1).